The following is an entry in ClinVar:

ClinVar aggregate classification (germline): Uncertain significance (1 of 4 stars; one submission).

Conditions:
Mitochondrial DNA depletion syndrome, encephalomyopathic form with methylmalonic aciduria (MTDPS5). Also called: MITOCHONDRIAL DNA DEPLETION SYNDROME, ENCEPHALOMYOPATHIC FORM, WITH OR WITHOUT METHYLMALONIC ACIDURIA, AUTOSOMAL RECESSIVE, SUCLA2-RELATED; Mitochondrial DNA depletion syndrome 5 (encephalomyopathic with or without methylmalonic aciduria); Mitochondrial encephalomyopathy aminoacidopathy; SUCLA2-Related Mitochondrial DNA Depletion Syndrome, Encephalomyopathic Form with Methylmalonic Aciduria. Identifiers: Orphanet 1933, MedGen C5980207, MONDO:0012791, OMIM 612073.

Allele frequency attached by ClinVar (database versions not stated): gnomAD 0.00001; TOPMed 0.00002.
gnomAD v4.1: 22 of 1,609,260 alleles (0.0014%); highest among the groups gnomAD compares: Non-Finnish European, 0.0017%; no homozygotes.

Submission:

Labcorp Genetics (formerly Invitae), Labcorp
Classification: Uncertain significance for Mitochondrial DNA depletion syndrome, encephalomyopathic form with methylmalonic aciduria. Last evaluated: 2021-09-01. Review status: criteria provided, single submitter. Criteria: Invitae Variant Classification Sherloc (09022015). Collection method: clinical testing. Allele origin: germline.
Comment: This sequence change replaces arginine with tryptophan at codon 20 of the SUCLA2 protein (p.Arg20Trp). The arginine residue is moderately conserved and there is a moderate physicochemical difference between arginine and tryptophan. This variant is not present in population databases (ExAC no frequency). This variant has not been reported in the literature in individuals affected with SUCLA2-related conditions. Algorithms developed to predict the effect of missense changes on protein structure and function are either unavailable or do not agree on the potential impact of this missense change (SIFT: "Deleterious"; PolyPhen-2: "Benign"; Align-GVGD: "Class C0"). In summary, the available evidence is currently insufficient to determine the role of this variant in disease. Therefore, it has been classified as a Variant of Uncertain Significance.

NM_003850.3(SUCLA2):c.58C>T (p.Arg20Trp)

Genes: SUCLA2 (succinate-CoA ligase ADP-forming subunit beta; minus strand), LOC130009747 (ATAC-STARR-seq lymphoblastoid active region 7719; plus strand). Cytogenetic location: 13q14.2.
Variant type: single nucleotide variant.
Coding change: c.58C>T on transcript NM_003850.3 (MANE Select); coding-DNA position 58, C replaced by T.
Protein change: p.Arg20Trp; replaces arginine 20 with tryptophan.
Molecular consequence: missense variant.
Genome position (GRCh38, 1-based): chr13:48,001,212, G>A on the plus strand (C>T on the coding strand, the complement: SUCLA2 is on the minus strand). VCF-style: chr13-48001212-G-A. GRCh37 (hg19) VCF-style: chr13-48575348-G-A.
Other names: short protein forms R20W.
Identifiers: ClinVar variation 1057019 (VCV001057019.6), dbSNP rs757550710, ClinGen allele CA388155312.